The following is an entry in ClinVar:

NM_025137.4(SPG11):c.5294G>A (p.Gly1765Glu)

Gene: SPG11 (SPG11 vesicle trafficking associated, spatacsin; minus strand). Cytogenetic location: 15q21.1.
Variant type: single nucleotide variant.
Coding change: c.5294G>A on transcript NM_025137.4 (MANE Select); coding-DNA position 5294, G replaced by A.
Protein change: p.Gly1765Glu; replaces glycine 1765 with glutamic acid.
Molecular consequence: missense variant.
Genome position (GRCh38, 1-based): chr15:44,584,386, C>T on the plus strand (G>A on the coding strand, the complement: SPG11 is on the minus strand). VCF-style: chr15-44584386-C-T. GRCh37 (hg19) VCF-style: chr15-44876584-C-T.
Other names: c.5294G>A, p.Gly1765Glu (NM_001160227.2); c.5150G>A, p.Gly1717Glu (NM_001411132.1); short protein forms G1717E, G1765E.
Identifiers: ClinVar variation 1975059 (VCV001975059.5), dbSNP rs2505293030, ClinGen allele CA392222864.

ClinVar aggregate classification (germline): Uncertain significance (1 of 4 stars; one submission).

Conditions:
Hereditary spastic paraplegia 11. Also called: Spastic paraplegia, mental retardation and thin corpus callosum; SPASTIC PARAPLEGIA, AUTOSOMAL RECESSIVE, WITH MENTAL IMPAIRMENT AND THIN CORPUS CALLOSUM; Spastic Paraplegia 11; Nakamura Osame syndrome; Autosomal recessive hereditary spastic paraplegia, mental impairment, and thin corpus callosum; SPASTIC PARAPLEGIA, AUTOSOMAL RECESSIVE, COMPLICATED, WITH THIN CORPUS CALLOSUM. Identifiers: Orphanet 2822, MedGen C1858479, MONDO:0011445, OMIM 604360.

gnomAD v4.1: 1 of 1,613,906 alleles (0.000062%); no homozygotes.

Submission:

Labcorp Genetics (formerly Invitae), Labcorp
Classification: Uncertain significance for Hereditary spastic paraplegia 11. Last evaluated: 2022-07-05. Review status: criteria provided, single submitter. Criteria: Invitae Variant Classification Sherloc (09022015). Collection method: clinical testing. Allele origin: germline.
Comment: In summary, the available evidence is currently insufficient to determine the role of this variant in disease. Therefore, it has been classified as a Variant of Uncertain Significance. Algorithms developed to predict the effect of missense changes on protein structure and function output the following: SIFT: "Tolerated"; PolyPhen-2: "Benign"; Align-GVGD: "Class C0". The glutamic acid amino acid residue is found in multiple mammalian species, which suggests that this missense change does not adversely affect protein function. This variant has not been reported in the literature in individuals affected with SPG11-related conditions. This variant is not present in population databases (gnomAD no frequency). This sequence change replaces glycine, which is neutral and non-polar, with glutamic acid, which is acidic and polar, at codon 1765 of the SPG11 protein (p.Gly1765Glu).